The following is an entry in ClinVar:

ClinVar aggregate classification (germline): Uncertain significance (1 of 4 stars; one submission).

Allele frequency attached by ClinVar (database versions not stated): TOPMed 0.00001.

Submission:

Labcorp Genetics (formerly Invitae), Labcorp
Classification: Uncertain significance. Last evaluated: 2024-10-23. Review status: criteria provided, single submitter. Criteria: Invitae Variant Classification Sherloc (09022015). Collection method: clinical testing. Allele origin: germline.
Comment: This sequence change replaces methionine, which is neutral and non-polar, with leucine, which is neutral and non-polar, at codon 120 of the RAB11B protein (p.Met120Leu). This variant is not present in population databases (gnomAD no frequency). This variant has not been reported in the literature in individuals affected with RAB11B-related conditions. ClinVar contains an entry for this variant (Variation ID: 1475928). An algorithm developed to predict the effect of missense changes on protein structure and function (PolyPhen-2) suggests that this variant is likely to be disruptive. In summary, the available evidence is currently insufficient to determine the role of this variant in disease. Therefore, it has been classified as a Variant of Uncertain Significance.

NM_004218.4(RAB11B):c.358A>C (p.Met120Leu)

Gene: RAB11B (RAB11B, member RAS oncogene family; plus strand). Cytogenetic location: 19p13.2.
Variant type: single nucleotide variant.
Coding change: c.358A>C on transcript NM_004218.4 (MANE Select); coding-DNA position 358, A replaced by C.
Protein change: p.Met120Leu; replaces methionine 120 with leucine.
Molecular consequence: missense variant.
Genome position (GRCh38, 1-based): chr19:8,402,207, A>C. VCF-style: chr19-8402207-A-C. GRCh37 (hg19) VCF-style: chr19-8467091-A-C.
Other names: short protein forms M120L.
Identifiers: ClinVar variation 1475928 (VCV001475928.8), dbSNP rs1022889829, ClinGen allele CA304976939.